The following is an entry in ClinVar:

NM_020223.4(FAM20C):c.185A>T (p.Gln62Leu)

Gene: FAM20C (FAM20C golgi associated secretory pathway kinase; plus strand). Cytogenetic location: 7p22.3.
Variant type: single nucleotide variant.
Coding change: c.185A>T on transcript NM_020223.4 (MANE Select); coding-DNA position 185, A replaced by T.
Protein change: p.Gln62Leu; replaces glutamine 62 with leucine.
Molecular consequence: missense variant.
Genome position (GRCh38, 1-based): chr7:193,384, A>T. VCF-style: chr7-193384-A-T. GRCh37 (hg19) VCF-style: chr7-193384-A-T.
Other names: c.185A>T (NM_020223.2); short protein forms Q62L.
Identifiers: ClinVar variation 2070343 (VCV002070343.2), dbSNP rs942578514, ClinGen allele CA152256661.

ClinVar aggregate classification (germline): Uncertain significance. Review status: criteria provided, multiple submitters, no conflicts (2 of 4 stars). 2 submissions from 2 submitters: Uncertain significance (2). Last evaluated 2024-11-24.

Conditions:
Inborn genetic diseases. Identifiers: MedGen C0950123, MeSH D030342.

Submissions (2):

Ambry Genetics
Classification: Uncertain significance for Inborn genetic diseases. Last evaluated: 2024-11-24. Review status: criteria provided, single submitter. Criteria: Ambry Variant Classification Scheme 2023. Collection method: clinical testing. Allele origin: germline.

Labcorp Genetics (formerly Invitae), Labcorp
Classification: Uncertain significance. Last evaluated: 2022-07-09. Review status: criteria provided, single submitter. Criteria: Invitae Variant Classification Sherloc (09022015). Collection method: clinical testing. Allele origin: germline.
Comment: This sequence change replaces glutamine, which is neutral and polar, with leucine, which is neutral and non-polar, at codon 62 of the FAM20C protein (p.Gln62Leu). This variant is present in population databases (no rsID available, gnomAD 0.09%). This variant has not been reported in the literature in individuals affected with FAM20C-related conditions. Algorithms developed to predict the effect of missense changes on protein structure and function are either unavailable or do not agree on the potential impact of this missense change (SIFT: "Deleterious"; PolyPhen-2: "Benign"; Align-GVGD: "Class C0"). In summary, the available evidence is currently insufficient to determine the role of this variant in disease. Therefore, it has been classified as a Variant of Uncertain Significance.